The following is an entry in ClinVar:

NM_001349253.2(SCN11A):c.5110A>G (p.Lys1704Glu)

Gene: SCN11A (sodium voltage-gated channel alpha subunit 11; minus strand). Cytogenetic location: 3p22.2.
Variant type: single nucleotide variant.
Coding change: c.5110A>G on transcript NM_001349253.2 (MANE Select); coding-DNA position 5110, A replaced by G.
Protein change: p.Lys1704Glu; replaces lysine 1704 with glutamic acid.
Molecular consequence: missense variant.
Genome position (GRCh38, 1-based): chr3:38,846,960, T>C on the plus strand (A>G on the coding strand, the complement: SCN11A is on the minus strand). VCF-style: chr3-38846960-T-C. GRCh37 (hg19) VCF-style: chr3-38888451-T-C.
Other names: c.5110A>G, p.Lys1704Glu (NM_014139.3); c.5110A>G (NM_014139.2); short protein forms K1704E.
Identifiers: ClinVar variation 2171366 (VCV002171366.5), dbSNP rs746338449, ClinGen allele CA2321395.

ClinVar aggregate classification (germline): Uncertain significance. Review status: criteria provided, multiple submitters, no conflicts (2 of 4 stars). 2 submissions from 2 submitters: Uncertain significance (2). Last evaluated 2025-02-18.

Conditions:
Inborn genetic diseases. Identifiers: MedGen C0950123, MeSH D030342.
Hereditary sensory and autonomic neuropathy type 7. Also called: Neuropathy, hereditary sensory and autonomic, type VII; HSAN VII. Identifiers: Orphanet 391397, MedGen C3809882, MONDO:0014244, OMIM 615548.
Familial episodic pain syndrome with predominantly lower limb involvement. Also called: Episodic pain syndrome, familial, 3. Identifiers: Orphanet 391384, Orphanet 391392, MedGen C3809899, MONDO:0014247, OMIM 615552.

Allele frequency attached by ClinVar (database versions not stated): gnomAD exomes 0.00001; TOPMed 0.00001; ExAC 0.00002; gnomAD 0.00003.
gnomAD v4.1: 18 of 1,614,058 alleles (0.0011%); highest among the groups gnomAD compares: Non-Finnish European, 0.0014%; no homozygotes.

Submissions (2):

Ambry Genetics
Classification: Uncertain significance for Inborn genetic diseases. Last evaluated: 2025-02-18. Review status: criteria provided, single submitter. Criteria: Ambry Variant Classification Scheme 2023. Collection method: clinical testing. Allele origin: germline.

Labcorp Genetics (formerly Invitae), Labcorp
Classification: Uncertain significance for Familial episodic pain syndrome with predominantly lower limb involvement; Hereditary sensory and autonomic neuropathy type 7. Last evaluated: 2023-11-24. Review status: criteria provided, single submitter. Criteria: Invitae Variant Classification Sherloc (09022015). Collection method: clinical testing. Allele origin: germline.
Comment: This sequence change replaces lysine, which is basic and polar, with glutamic acid, which is acidic and polar, at codon 1704 of the SCN11A protein (p.Lys1704Glu). This variant is present in population databases (rs746338449, gnomAD 0.002%). This variant has not been reported in the literature in individuals affected with SCN11A-related conditions. ClinVar contains an entry for this variant (Variation ID: 2171366). Advanced modeling of protein sequence and biophysical properties (such as structural, functional, and spatial information, amino acid conservation, physicochemical variation, residue mobility, and thermodynamic stability) performed at Invitae indicates that this missense variant is not expected to disrupt SCN11A protein function with a negative predictive value of 80%. In summary, the available evidence is currently insufficient to determine the role of this variant in disease. Therefore, it has been classified as a Variant of Uncertain Significance.